The following is an entry in ClinVar:

NM_001329943.3(KIAA0586):c.2866T>C (p.Phe956Leu)

Gene: KIAA0586 (KIAA0586; plus strand). Cytogenetic location: 14q23.1.
Variant type: single nucleotide variant.
Coding change: c.2866T>C on transcript NM_001329943.3 (MANE Select); coding-DNA position 2866, T replaced by C.
Protein change: p.Phe956Leu; replaces phenylalanine 956 with leucine.
Molecular consequence: missense variant.
Genome position (GRCh38, 1-based): chr14:58,477,163, T>C. VCF-style: chr14-58477163-T-C. GRCh37 (hg19) VCF-style: chr14-58943881-T-C.
Other names: c.3025T>C, p.Phe1009Leu (NM_001244189.2); c.2821T>C, p.Phe941Leu (NM_001244190.2); c.2611T>C, p.Phe871Leu (NM_001244191.2, NM_001329945.2, NM_001364700.1 and 1 more transcripts); c.2734T>C, p.Phe912Leu (NM_001244192.2); c.2446T>C, p.Phe816Leu (NM_001244193.2); c.2866T>C, p.Phe956Leu (NM_001329944.2, NM_001329946.2, NM_001329947.2); c.2638T>C, p.Phe880Leu (NM_014749.5); short protein forms F941L, F956L, F871L, F912L, F1009L, F816L, F880L.
Identifiers: ClinVar variation 1465401 (VCV001465401.6), dbSNP rs943207254, ClinGen allele CA261642338.

ClinVar aggregate classification (germline): Uncertain significance (1 of 4 stars; one submission).

Conditions:
Short-rib thoracic dysplasia 14 with polydactyly (SRTD14). Identifiers: Orphanet 397715, MedGen C4225286, MONDO:0014688, OMIM 616546.
Joubert syndrome 23 (JBTS23). Identifiers: Orphanet 475, MedGen C4084822, MONDO:0014664, OMIM 616490.

Allele frequency attached by ClinVar (database versions not stated): gnomAD 0.00001.
gnomAD v4.1: 1 of 1,581,582 alleles (0.000063%); highest among the groups gnomAD compares: Non-Finnish European, 0.000086%; no homozygotes.

Submission:

Labcorp Genetics (formerly Invitae), Labcorp
Classification: Uncertain significance for Joubert syndrome 23; Short-rib thoracic dysplasia 14 with polydactyly. Last evaluated: 2022-03-09. Review status: criteria provided, single submitter. Criteria: Invitae Variant Classification Sherloc (09022015). Collection method: clinical testing. Allele origin: germline.
Comment: Algorithms developed to predict the effect of missense changes on protein structure and function output the following: SIFT: "Tolerated"; PolyPhen-2: "Benign"; Align-GVGD: "Class C0". The leucine amino acid residue is found in multiple mammalian species, which suggests that this missense change does not adversely affect protein function. This variant has not been reported in the literature in individuals affected with KIAA0586-related conditions. This variant is present in population databases (no rsID available, gnomAD 0.007%). This sequence change replaces phenylalanine, which is neutral and non-polar, with leucine, which is neutral and non-polar, at codon 1009 of the KIAA0586 protein (p.Phe1009Leu). Algorithms developed to predict the effect of sequence changes on RNA splicing suggest that this variant may disrupt the consensus splice site. In summary, the available evidence is currently insufficient to determine the role of this variant in disease. Therefore, it has been classified as a Variant of Uncertain Significance.